The following is an entry in ClinVar:

NM_144687.4(NLRP12):c.3078_3098+1del

Gene: NLRP12 (NLR family pyrin domain containing 12; minus strand). Cytogenetic location: 19q13.42.
Variant type: Deletion.
Coding change: c.3078_3098+1del on transcript NM_144687.4 (MANE Select); coding-DNA position 3078 through the canonical splice donor site of the intron after coding-DNA position 3098, 22 bases deleted (CTGCAAACTCCGAGTCCTCTGG).
Molecular consequence: splice donor variant.
Genome position (GRCh38, 1-based): chr19:53,795,858-53,795,879, CCAGAGGACTCGGAGTTTGCAG deleted on the plus strand (CTGCAAACTCCGAGTCCTCTGG on the coding strand, the reverse complement: NLRP12 is on the minus strand); deleting any 22 consecutive bases within chr19:53,795,858-53,795,883 gives the same sequence; the c. name uses the placement nearest the transcript's 3' end. VCF-style (leftmost placement, unchanged base first): chr19-53795857-ACCAGAGGACTCGGAGTTTGCAG-A. GRCh37 (hg19) VCF-style: chr19-54299111-ACCAGAGGACTCGGAGTTTGCAG-A.
Other names: c.2907_2927+1del (NM_001277129.1); c.3081_3101+1del (NM_001277126.2).
Identifiers: ClinVar variation 424316 (VCV000424316.7), dbSNP rs1064796908, ClinGen allele CA16620905.

ClinVar aggregate classification (germline): Uncertain significance. Review status: criteria provided, multiple submitters, no conflicts (2 of 4 stars). 2 submissions from 2 submitters: Uncertain significance (2). Last evaluated 2026-09-26.

Conditions:
Familial cold autoinflammatory syndrome 2 (FCAS2). Identifiers: Orphanet 247868, MedGen C2673198, MONDO:0012724, OMIM 611762.

Submissions (2):

GeneDx
Classification: Uncertain significance. Last evaluated: 2026-09-26. Review status: criteria provided, single submitter. Criteria: GeneDx Variant Classification Process June 2021. Collection method: clinical testing. Allele origin: germline.
Comment: Not observed at significant frequency in large population cohorts (gnomAD); Canonical splice site variant with an unclear effect on protein function; Has not been previously published as pathogenic or benign to our knowledge

Labcorp Genetics (formerly Invitae), Labcorp
Classification: Uncertain significance for Familial cold autoinflammatory syndrome 2. Last evaluated: 2025-11-28. Review status: criteria provided, single submitter. Criteria: Invitae Variant Classification Sherloc (09022015). Collection method: clinical testing. Allele origin: germline.
Comment: This variant results in the deletion of part of exon 9 (c.3078_3098+1del) of the NLRP12 gene. It affects a nucleotide within the consensus splice site. This variant is not present in population databases (gnomAD no frequency). This variant has not been reported in the literature in individuals affected with NLRP12-related conditions. ClinVar contains an entry for this variant (Variation ID: 424316). Variants that disrupt the consensus splice site are a relatively common cause of aberrant splicing (PMID: 17576681, 9536098). In summary, the available evidence is currently insufficient to determine the role of this variant in disease. Therefore, it has been classified as a Variant of Uncertain Significance.

Literature cited by the submitters: PubMed 17576681 (cited by Labcorp Genetics (formerly Invitae), Labcorp); PubMed 9536098 (cited by Labcorp Genetics (formerly Invitae), Labcorp).